The following is an entry in ClinVar:

NM_182914.3(SYNE2):c.3425C>G (p.Ser1142Cys)

Gene: SYNE2 (spectrin repeat containing nuclear envelope protein 2; plus strand). Cytogenetic location: 14q23.2.
Variant type: single nucleotide variant.
Coding change: c.3425C>G on transcript NM_182914.3 (MANE Select); coding-DNA position 3425, C replaced by G.
Protein change: p.Ser1142Cys; replaces serine 1142 with cysteine.
Molecular consequence: missense variant.
Genome position (GRCh38, 1-based): chr14:63,998,985, C>G. VCF-style: chr14-63998985-C-G. GRCh37 (hg19) VCF-style: chr14-64465703-C-G.
Other names: c.3425C>G, p.Ser1142Cys (NM_015180.6); short protein forms S1142C.
Identifiers: ClinVar variation 2049707 (VCV002049707.6), dbSNP rs767376963, ClinGen allele CA7219959.

ClinVar aggregate classification (germline): Uncertain significance. Review status: criteria provided, multiple submitters, no conflicts (2 of 4 stars). 2 submissions from 2 submitters: Uncertain significance (2). Last evaluated 2025-01-23.

Conditions:
Emery-Dreifuss muscular dystrophy 5, autosomal dominant (EDMD5). Also called: EMERY-DREIFUSS MUSCULAR DYSTROPHY 5. Identifiers: Orphanet 261, MedGen C2751805, MONDO:0013072, OMIM 612999.

Allele frequency attached by ClinVar (database versions not stated): gnomAD exomes 0.00001; ExAC 0.00002; gnomAD 0.00009; TOPMed 0.00009.
gnomAD v4.1: 25 of 1,613,792 alleles (0.0015%); highest among the groups gnomAD compares: African/African-American, 0.028%; no homozygotes.

Submissions (2):

Ambry Genetics
Classification: Uncertain significance. Last evaluated: 2025-01-23. Review status: criteria provided, single submitter. Criteria: Ambry Variant Classification Scheme 2023. Collection method: clinical testing. Allele origin: germline.

Labcorp Genetics (formerly Invitae), Labcorp
Classification: Uncertain significance for Emery-Dreifuss muscular dystrophy 5, autosomal dominant. Last evaluated: 2024-05-06. Review status: criteria provided, single submitter. Criteria: Invitae Variant Classification Sherloc (09022015). Collection method: clinical testing. Allele origin: germline.
Comment: This sequence change replaces serine, which is neutral and polar, with cysteine, which is neutral and slightly polar, at codon 1142 of the SYNE2 protein (p.Ser1142Cys). This variant is present in population databases (rs767376963, gnomAD 0.02%). This variant has not been reported in the literature in individuals affected with SYNE2-related conditions. ClinVar contains an entry for this variant (Variation ID: 2049707). An algorithm developed to predict the effect of missense changes on protein structure and function (PolyPhen-2) suggests that this variant is likely to be disruptive. In summary, the available evidence is currently insufficient to determine the role of this variant in disease. Therefore, it has been classified as a Variant of Uncertain Significance.